The following is an entry in ClinVar:

NM_019023.5(PRMT7):c.1168C>T (p.Arg390Ter)

Gene: PRMT7 (protein arginine methyltransferase 7; plus strand). Cytogenetic location: 16q22.1.
Variant type: single nucleotide variant.
Coding change: c.1168C>T on transcript NM_019023.5 (MANE Select); coding-DNA position 1168, C replaced by T.
Protein change: p.Arg390Ter; replaces arginine 390 with a stop codon.
Molecular consequence: nonsense. On other transcripts: non-coding transcript variant (12).
Genome position (GRCh38, 1-based): chr16:68,346,257, C>T. VCF-style: chr16-68346257-C-T. GRCh37 (hg19) VCF-style: chr16-68380160-C-T.
Other names: c.1018C>T, p.Arg340Ter (NM_001184824.4); c.1168C>T, p.Arg390Ter (NM_001290018.2, NM_001351143.3, NM_001351144.3 and 1 more transcripts); c.961C>T, p.Arg321Ter (NM_001378020.1); c.931C>T, p.Arg311Ter (NM_001378021.1, NM_001378022.1, NM_001378023.1); c.1168C>T (NM_019023.4); short protein forms R340*, R390*, R311*, R321*.
Identifiers: ClinVar variation 3069131 (VCV003069131.4), dbSNP rs774937129, ClinGen allele CA8127343.
Genomic context (GRCh38, chr16:68,346,257, plus strand): 5'-GCTCACCTGCTCTGGAACCGGCCTCGGTTTGGAGAGATCAATGACCAGGACAGAACTGAT[C>T]GATACGTCCAGGCTCTGAGGACCGTAAGTGTCCAGCCCCTTGGCTTGTTGTGGGGAAAAG-3'

ClinVar aggregate classification (germline): Pathogenic. Review status: criteria provided, multiple submitters, no conflicts (2 of 4 stars). 2 submissions from 2 submitters: Pathogenic (2). Last evaluated 2024-09-01.

Conditions:
Short stature-brachydactyly-obesity-global developmental delay syndrome. Also called: Short stature, brachydactyly, intellectual developmental disability, and seizures; SHORT STATURE, BRACHYDACTYLY, IMPAIRED INTELLECTUAL DEVELOPMENT, AND SEIZURES. Identifiers: Orphanet 464288, MedGen C4310689, MONDO:0014944, OMIM 617157.

Submissions (2):

Suzhou Clinical Center for Rare Diseases in Children, Children's Hospital of Soochow University
Classification: Pathogenic for Short stature-brachydactyly-obesity-global developmental delay syndrome. Last evaluated: 2024-09-01. Review status: criteria provided, single submitter. Criteria: ACMG Guidelines, 2015. Collection method: clinical testing. Allele origin: maternal. Affected: yes.
Comment: The NM_019023.4:c.1168C>T (p.Arg390Ter) variant of PRMT7 is a nonsense mutation that may lead to premature termination and NMD (PVS1). This variant has absent in gnomAD (v4.1.0) (PM2_Supporting). The phenotype or family history of the variant carriers is highly consistent with the disease associated with this variant (PP4). According to the ACMG guidelines, this variant is interpreted as pathogenic (PVS1 + PM2_Supporting + PP4).

Women's Health and Genetics/Laboratory Corporation of America, LabCorp
Classification: Pathogenic for Short stature-brachydactyly-obesity-global developmental delay syndrome. Last evaluated: 2024-02-16. Review status: criteria provided, single submitter. Criteria: LabCorp Variant Classification Summary - May 2015. Collection method: clinical testing. Allele origin: germline.
Comment: Variant summary: PRMT7 c.1168C>T (p.Arg390X) results in a premature termination codon, predicted to cause a truncation of the encoded protein or absence of the protein due to nonsense mediated decay, which are commonly known mechanisms for disease. The variant allele was found at a frequency of 4e-06 in 251450 control chromosomes. To our knowledge, no occurrence of c.1168C>T in individuals affected with Short Stature, Brachydactyly, Intellectual Developmental Disability, And Seizures and no experimental evidence demonstrating its impact on protein function have been reported. No submitters have cited clinical-significance assessments for this variant to ClinVar. Based on the evidence outlined above, the variant was classified as pathogenic.